The following is an entry in ClinVar:

NM_018489.3(ASH1L):c.2578A>G (p.Lys860Glu)

Gene: ASH1L (ASH1 like histone lysine methyltransferase; minus strand). Cytogenetic location: 1q22.
Variant type: single nucleotide variant.
Coding change: c.2578A>G on transcript NM_018489.3 (MANE Select); coding-DNA position 2578, A replaced by G.
Protein change: p.Lys860Glu; replaces lysine 860 with glutamic acid.
Molecular consequence: missense variant.
Genome position (GRCh38, 1-based): chr1:155,480,292, T>C on the plus strand (A>G on the coding strand, the complement: ASH1L is on the minus strand). VCF-style: chr1-155480292-T-C. GRCh37 (hg19) VCF-style: chr1-155450083-T-C.
Other names: c.2578A>G, p.Lys860Glu (NM_001366177.2); short protein forms K860E.
Identifiers: ClinVar variation 1298441 (VCV001298441.35), dbSNP rs2148726226, ClinGen allele CA342723274.

ClinVar aggregate classification (germline): Uncertain significance (1 of 4 stars; one submission).

gnomAD v4.1: 3 of 1,614,194 alleles (0.00019%); highest among the groups gnomAD compares: Non-Finnish European, 0.00025%; no homozygotes.

Submission:

CeGaT Center for Human Genetics Tuebingen
Classification: Uncertain significance. Last evaluated: 2022-03-01. Review status: criteria provided, single submitter. Criteria: CeGaT Center For Human Genetics Tuebingen Variant Classification Criteria Version 2. Collection method: clinical testing. Allele origin: germline. Affected: yes. Observed: 2 variant alleles.
Comment: ASH1L: PM2, PP2